The following is an entry in ClinVar:

NM_001385641.1(SAMD11):c.700G>A (p.Asp234Asn)

Gene: SAMD11 (sterile alpha motif domain containing 11; plus strand). Cytogenetic location: 1p36.33.
Variant type: single nucleotide variant.
Coding change: c.700G>A on transcript NM_001385641.1 (MANE Select); coding-DNA position 700, G replaced by A.
Protein change: p.Asp234Asn; replaces aspartic acid 234 with asparagine.
Molecular consequence: missense variant.
Genome position (GRCh38, 1-based): chr1:930,245, G>A. VCF-style: chr1-930245-G-A. GRCh37 (hg19) VCF-style: chr1-865625-G-A.
Other names: c.700G>A, p.Asp234Asn (NM_001385640.1); c.163G>A, p.Asp55Asn (NM_152486.4); c.163G>A (NM_152486.2); short protein forms D234N, D55N.
Identifiers: ClinVar variation 1131472 (VCV001131472.13), dbSNP rs146327803, ClinGen allele CA502436.

ClinVar aggregate classification (germline): Conflicting classifications of pathogenicity. Review status: criteria provided, conflicting classifications (1 of 4 stars). 4 submissions from 4 submitters: Uncertain significance (1); Likely benign (2). 1 of the submissions does not count toward it. Last evaluated 2026-01-20.

Conditions:
SAMD11-related disorder. Also called: SAMD11-related condition.

Allele frequency attached by ClinVar (database versions not stated): gnomAD exomes 0.00014 and 0.00031; ExAC 0.00066; ESP Exome Variant Server 0.00069; 1000 Genomes Project 0.00140; 1000 Genomes Project 30x 0.00156; gnomAD 0.00162 and 0.00175; TOPMed 0.00175.
gnomAD v4.1: 452 of 1,603,790 alleles (0.028%); highest among the groups gnomAD compares: African/African-American, 0.52%; 2 homozygotes.

Submissions (4):

Labcorp Genetics (formerly Invitae), Labcorp
Classification: Likely benign. Last evaluated: 2026-01-20. Review status: criteria provided, single submitter. Criteria: Invitae Variant Classification Sherloc (09022015). Collection method: clinical testing. Allele origin: germline.

Ambry Genetics
Classification: Uncertain significance. Last evaluated: 2025-08-25. Review status: criteria provided, single submitter. Criteria: Ambry Variant Classification Scheme 2023. Collection method: clinical testing. Allele origin: germline.

Blueprint Genetics
Classification: Likely benign. Last evaluated: 2023-09-14. Review status: criteria provided, single submitter. Criteria: ACMG Guidelines, 2015. Collection method: clinical testing. Allele origin: germline.

PreventionGenetics, part of Exact Sciences
Classification: Likely benign for SAMD11-related condition. Last evaluated: 2019-04-01. Review status: no assertion criteria provided. Collection method: clinical testing. Allele origin: germline. Not counted in ClinVar's aggregate classification.
Comment: This variant is classified as likely benign based on ACMG/AMP sequence variant interpretation guidelines (Richards et al. 2015 PMID: 25741868, with internal and published modifications).